The following is an entry in ClinVar:

NM_004998.4(MYO1E):c.74T>C (p.Val25Ala)

Gene: MYO1E (myosin IE; minus strand). Cytogenetic location: 15q22.2.
Variant type: single nucleotide variant.
Coding change: c.74T>C on transcript NM_004998.4 (MANE Select); coding-DNA position 74, T replaced by C.
Protein change: p.Val25Ala; replaces valine 25 with alanine.
Molecular consequence: missense variant.
Genome position (GRCh38, 1-based): chr15:59,272,379, A>G on the plus strand (T>C on the coding strand, the complement: MYO1E is on the minus strand). VCF-style: chr15-59272379-A-G. GRCh37 (hg19) VCF-style: chr15-59564578-A-G.
Other names: short protein forms V25A.
Identifiers: ClinVar variation 1698692 (VCV001698692.2), dbSNP rs2080293604, ClinGen allele CA392651363.

ClinVar aggregate classification (germline): drug response (0 of 4 stars; one submission).

Conditions:
Corticosteroids response. Also called: Corticosteroid response.

Submission:

Genetic Testing Lab, Ashok and Rita Patel Institute of Integrated Study and Research in Biotechnology and Allied Sciences
Classification: drug response for Corticosteroid response. Last evaluated: 2022-05-20. Review status: no assertion criteria provided. Collection method: research. Allele origin: somatic. Affected: yes. Observed: 37 variant alleles.
Comment: Depending upon patients response to standard corticosteroids therapy, they were classified to be either Steroid resistance(SRNS)(poor metabolizer) or steroid sensitive(SSNS)(likley responsive)